The following is an entry in ClinVar:

NM_000112.4(SLC26A2):c.740A>G (p.Tyr247Cys)

Gene: SLC26A2 (solute carrier family 26 member 2; plus strand). Cytogenetic location: 5q32.
Variant type: single nucleotide variant.
Coding change: c.740A>G on transcript NM_000112.4 (MANE Select); coding-DNA position 740, A replaced by G.
Protein change: p.Tyr247Cys; replaces tyrosine 247 with cysteine.
Molecular consequence: missense variant.
Genome position (GRCh38, 1-based): chr5:149,980,333, A>G. VCF-style: chr5-149980333-A-G. GRCh37 (hg19) VCF-style: chr5-149359896-A-G.
Other names: short protein forms Y247C.
Identifiers: ClinVar variation 618368 (VCV000618368.10), dbSNP rs768745973, ClinGen allele CA3505316.

ClinVar aggregate classification (germline): Uncertain significance. Review status: criteria provided, single submitter (1 of 4 stars). 2 submissions from 2 submitters: Uncertain significance (1). 1 of the submissions does not count toward it. Last evaluated 2018-03-04.

Conditions:
Achondrogenesis, type IB (ACG1B). Also called: Achondrogenesis Type 1B. Identifiers: Orphanet 932, Orphanet 93298, MedGen C0265274, MONDO:0010966, OMIM 600972.

Allele frequency attached by ClinVar (database versions not stated): gnomAD exomes below 0.00001 and 0.00002; ExAC 0.00001; TOPMed 0.00001.

Submissions (2):

ARUP Laboratories, Molecular Genetics and Genomics, ARUP Laboratories
Classification: Uncertain significance. Last evaluated: 2018-03-04. Review status: criteria provided, single submitter. Criteria: ARUP Molecular Germline Variant Investigation Process. Collection method: clinical testing. Allele origin: germline.
Comment: The SLC26A2 c.740A>G; p.Tyr247Cys variant (rs768745973), to our knowledge, is not reported in the medical literature, gene specific variation databases, nor has it been previously identified by our laboratory. This variant is listed in the genome Aggregation Database (gnomAD) with an overall population frequency of 0.002% (identified on 5 out of 246,106 chromosomes). The tyrosine at position 247 is highly conserved, considering 12 species, and computational analyses of the effects of the p.Tyr247Cys variant on protein structure and function predict a deleterious effect (SIFT: damaging, PolyPhen-2: probably damaging). Based on the available information, the clinical significance of the p.Tyr247Cys variant cannot be determined with certainty.

Natera, Inc.
Classification: Uncertain significance for Achondrogenesis type IB. Last evaluated: 2019-11-11. Review status: no assertion criteria provided. Collection method: clinical testing. Allele origin: germline. Not counted in ClinVar's aggregate classification.